The following is an entry in ClinVar:

NM_001032.5(RPS29):c.110A>G (p.Asn37Ser)

Gene: RPS29 (ribosomal protein S29; minus strand). Cytogenetic location: 14q21.3.
Variant type: single nucleotide variant.
Coding change: c.110A>G on transcript NM_001032.5 (MANE Select); coding-DNA position 110, A replaced by G.
Protein change: p.Asn37Ser; replaces asparagine 37 with serine.
Molecular consequence: missense variant.
Genome position (GRCh38, 1-based): chr14:49,586,002, T>C on the plus strand (A>G on the coding strand, the complement: RPS29 is on the minus strand). VCF-style: chr14-49586002-T-C. GRCh37 (hg19) VCF-style: chr14-50052720-T-C.
Other names: c.110A>G, p.Asn37Ser (NM_001030001.4); c.101A>G, p.Asn34Ser (NM_001351375.2); short protein forms N34S, N37S.
Identifiers: ClinVar variation 4749839 (VCV004749839.1).

ClinVar aggregate classification (germline): Uncertain significance (1 of 4 stars; one submission).

gnomAD v4.1: 3 of 1,613,906 alleles (0.00019%); highest among the groups gnomAD compares: Admixed American, 0.0017%; no homozygotes.

Submission:

Labcorp Genetics (formerly Invitae), Labcorp
Classification: Uncertain significance. Last evaluated: 2025-09-30. Review status: criteria provided, single submitter. Criteria: Invitae Variant Classification Sherloc (09022015). Collection method: clinical testing. Allele origin: germline.
Comment: This sequence change replaces asparagine, which is neutral and polar, with serine, which is neutral and polar, at codon 37 of the RPS29 protein (p.Asn37Ser). This variant is present in population databases (no rsID available, gnomAD 0.003%). This variant has not been reported in the literature in individuals affected with RPS29-related conditions. An algorithm developed to predict the effect of missense changes on protein structure and function (PolyPhen-2) suggests that this variant is likely to be disruptive. In summary, the available evidence is currently insufficient to determine the role of this variant in disease. Therefore, it has been classified as a Variant of Uncertain Significance.